The following is an entry in ClinVar:

NC_000017.11:g.(?_31200422)_(31265339_?)del

Gene: NF1 (neurofibromin 1; plus strand). Cytogenetic location: 17q11.2.
Variant type: Deletion.
Identifiers: ClinVar variation 657376 (VCV000657376.1).

ClinVar aggregate classification (germline): Pathogenic (1 of 4 stars; one submission).

Conditions:
Neurofibromatosis, type 1 (NF1). Also called: VON RECKLINGHAUSEN DISEASE; NEUROFIBROMATOSIS, TYPE I, SOMATIC; Peripheral type neurofibromatosis; Neurofibromatosis, type I. Identifiers: Orphanet 636, MedGen C0027831, MONDO:0018975, OMIM 162200. Disease mechanism: loss of function.

Submission:

Labcorp Genetics (formerly Invitae), Labcorp
Classification: Pathogenic for Neurofibromatosis, type 1. Last evaluated: 2018-09-24. Review status: criteria provided, single submitter. Criteria: Invitae Variant Classification Sherloc (09022015). Collection method: clinical testing. Allele origin: germline.
Comment: This variant is an out-of-frame deletion of the genomic region encompassing exons 9-35 of the NF1 gene. This is expected to create a premature translational stop signal and result in an absent or disrupted protein product. Similar deletions of exons 9-35Â¬â€ have been observed in an individual affected with clinical features of neurofibromatosis type 1 (PMID: 16283621). Exons 9-35 are also referred to as exons 7-27b in the literature. Loss-of-function variants in NF1 are known to be pathogenic (PMID: 10712197, 23913538). For these reasons, this variant has been classified as Pathogenic.

Literature cited by the submitters: PubMed 16283621.